The following is an entry in ClinVar:

ClinVar aggregate classification (germline): Uncertain significance. Review status: criteria provided, multiple submitters, no conflicts (2 of 4 stars). 2 submissions from 2 submitters: Uncertain significance (2). Last evaluated 2022-06-24.

Allele frequency attached by ClinVar (database versions not stated): TOPMed below 0.00001; ExAC 0.00003.
gnomAD v4.1: 7 of 1,612,692 alleles (0.00043%); highest among the groups gnomAD compares: Admixed American, 0.012%; no homozygotes.

Submissions (2):

Women's Health and Genetics/Laboratory Corporation of America, LabCorp
Classification: Uncertain significance. Last evaluated: 2022-06-24. Review status: criteria provided, single submitter. Criteria: LabCorp Variant Classification Summary - May 2015. Collection method: clinical testing. Allele origin: germline.
Comment: Variant summary: OTOF c.2245A>T (p.Ile749Phe) results in a non-conservative amino acid change in the encoded protein sequence. Three of five in-silico tools predict a benign effect of the variant on protein function. The variant allele was found at a frequency of 2.8e-05 in 249838 control chromosomes (gnomAD). The available data on variant occurrences in the general population are insufficient to allow any conclusion about variant significance. To our knowledge, no occurrence of c.2245A>T in individuals affected with Nonsyndromic Hearing Loss And Deafness, Type 9 and no experimental evidence demonstrating its impact on protein function have been reported. One ClinVar submitter has assessed the variant since 2014: the variant was classified as of uncertain significance. Based on the evidence outlined above, the variant was classified as uncertain significance.

GeneDx
Classification: Uncertain significance. Last evaluated: 2019-12-09. Review status: criteria provided, single submitter. Criteria: GeneDx Variant Classification Process June 2021. Collection method: clinical testing. Allele origin: germline. Affected: yes.
Comment: In silico analysis, which includes protein predictors and evolutionary conservation, supports a deleterious effect; Has not been previously published as pathogenic or benign to our knowledge

NM_194248.3(OTOF):c.2245A>T (p.Ile749Phe)

Genes: OTOF (otoferlin; minus strand), LOC129933334 (ATAC-STARR-seq lymphoblastoid active region 15473; plus strand). Cytogenetic location: 2p23.3.
Variant type: single nucleotide variant.
Coding change: c.2245A>T on transcript NM_194248.3 (MANE Select); coding-DNA position 2245, A replaced by T.
Protein change: p.Ile749Phe; replaces isoleucine 749 with phenylalanine.
Molecular consequence: missense variant.
Genome position (GRCh38, 1-based): chr2:26,477,719, T>A on the plus strand (A>T on the coding strand, the complement: OTOF is on the minus strand). VCF-style: chr2-26477719-T-A. GRCh37 (hg19) VCF-style: chr2-26700587-T-A.
Other names: c.2245A>T, p.Ile749Phe (NM_001287489.2); c.4A>T, p.Ile2Phe (NM_004802.4, NM_194323.3); c.175A>T, p.Ile59Phe (NM_194322.3); c.2245A>T (NM_194248.2); short protein forms I2F, I59F, I749F.
Identifiers: ClinVar variation 1310929 (VCV001310929.3), dbSNP rs781354904, ClinGen allele CA1563996.
Genomic context (GRCh38, chr2:26,477,719, plus strand): 5'-AGCTCAGCTCCTCCAGGACGCCCCGCAGGCGACGCTCAGGGTAGGACTTCTCCGTTTTGA[T>A]CATCTCCTGTATGTCGTTCAGGCCTTCTTCCTGTGAATCAGGAGTGTGGGTGATGCTGGG-3'
Protein context (NP_919224.1, residues 739-759): EEGLNDIQEM[Ile749Phe]KTEKSYPERR